The following is an entry in ClinVar:

NM_006361.6(HOXB13):c.663T>G (p.Ile221Met)

Gene: HOXB13 (homeobox B13; minus strand). Cytogenetic location: 17q21.32.
Variant type: single nucleotide variant.
Coding change: c.663T>G on transcript NM_006361.6 (MANE Select); coding-DNA position 663, T replaced by G.
Protein change: p.Ile221Met; replaces isoleucine 221 with methionine.
Molecular consequence: missense variant.
Genome position (GRCh38, 1-based): chr17:48,726,982, A>C on the plus strand (T>G on the coding strand, the complement: HOXB13 is on the minus strand). VCF-style: chr17-48726982-A-C. GRCh37 (hg19) VCF-style: chr17-46804344-A-C.
Other names: short protein forms I221M.
Identifiers: ClinVar variation 1437394 (VCV001437394.6), dbSNP rs2143067246, ClinGen allele CA400106780.

ClinVar aggregate classification (germline): Uncertain significance (1 of 4 stars; one submission).

Submission:

Labcorp Genetics (formerly Invitae), Labcorp
Classification: Uncertain significance. Last evaluated: 2024-10-12. Review status: criteria provided, single submitter. Criteria: Invitae Variant Classification Sherloc (09022015). Collection method: clinical testing. Allele origin: germline.
Comment: This sequence change replaces isoleucine, which is neutral and non-polar, with methionine, which is neutral and non-polar, at codon 221 of the HOXB13 protein (p.Ile221Met). This variant is not present in population databases (gnomAD no frequency). This variant has not been reported in the literature in individuals affected with HOXB13-related conditions. ClinVar contains an entry for this variant (Variation ID: 1437394). Invitae Evidence Modeling of protein sequence and biophysical properties (such as structural, functional, and spatial information, amino acid conservation, physicochemical variation, residue mobility, and thermodynamic stability) indicates that this missense variant is not expected to disrupt HOXB13 protein function with a negative predictive value of 80%. In summary, the available evidence is currently insufficient to determine the role of this variant in disease. Therefore, it has been classified as a Variant of Uncertain Significance.